The following is an entry in ClinVar:

ClinVar aggregate classification (germline): Benign/Likely benign. Review status: criteria provided, multiple submitters, no conflicts (2 of 4 stars). 3 submissions from 3 submitters: Benign (1); Likely benign (2). Last evaluated 2025-05-12.

Conditions:
Hereditary cancer-predisposing syndrome. Also called: Tumor predisposition; Hereditary Cancer Syndrome; Neoplastic Syndromes, Hereditary; Hereditary neoplastic syndrome. Identifiers: Orphanet 140162, MedGen C0027672, MeSH D009386, MONDO:0015356.
Tuberous sclerosis 2 (TSC2). Identifiers: Orphanet 805, MedGen C1860707, MONDO:0013199, OMIM 613254.

Allele frequency attached by ClinVar (database versions not stated): gnomAD exomes below 0.00001; TOPMed below 0.00001; gnomAD 0.00001; 1000 Genomes Project 30x 0.00016.
gnomAD v4.1: 3 of 1,589,712 alleles (0.00019%); highest among the groups gnomAD compares: African/African-American, 0.004%; no homozygotes.

Submissions (3):

Myriad Genetics, Inc.
Classification: Benign for Tuberous sclerosis 2. Last evaluated: 2025-05-12. Review status: criteria provided, single submitter. Criteria: Myriad Autosomal Dominant, Autosomal Recessive and X-Linked Classification Criteria (2023). Collection method: clinical testing. Allele origin: unknown.
Comment: This variant is considered benign. This variant is a silent/synonymous amino acid change and it is not expected to impact splicing.

Labcorp Genetics (formerly Invitae), Labcorp
Classification: Likely benign for Tuberous sclerosis 2. Last evaluated: 2024-06-24. Review status: criteria provided, single submitter. Criteria: Invitae Variant Classification Sherloc (09022015). Collection method: clinical testing. Allele origin: germline.

Ambry Genetics
Classification: Likely benign for Hereditary cancer-predisposing syndrome. Last evaluated: 2023-07-29. Review status: criteria provided, single submitter. Criteria: Ambry Variant Classification Scheme 2023. Collection method: clinical testing. Allele origin: germline.

NM_000548.5(TSC2):c.874C>T (p.Leu292=)

Gene: TSC2 (TSC complex subunit 2; plus strand). Cytogenetic location: 16p13.3.
Variant type: single nucleotide variant.
Coding change: c.874C>T on transcript NM_000548.5 (MANE Select); coding-DNA position 874, C replaced by T.
Protein change: p.Leu292=; no amino-acid change (leucine 292 retained).
Molecular consequence: synonymous variant.
Genome position (GRCh38, 1-based): chr16:2,058,772, C>T. VCF-style: chr16-2058772-C-T. GRCh37 (hg19) VCF-style: chr16-2108773-C-T.
Other names: c.874C>T, p.Leu292= (NM_001077183.3, NM_001114382.3, NM_001363528.2 and 3 more transcripts); c.763C>T, p.Leu255= (NM_001318827.2); c.727C>T, p.Leu243= (NM_001318829.2); c.274C>T, p.Leu92= (NM_001318831.2); c.907C>T, p.Leu303= (NM_001318832.2).
Identifiers: ClinVar variation 760127 (VCV000760127.13), dbSNP rs1031153520, ClinGen allele CA276775668.